The following is an entry in ClinVar:

NM_001243133.2(NLRP3):c.619T>C (p.Phe207Leu)

Gene: NLRP3 (NLR family pyrin domain containing 3; plus strand). Cytogenetic location: 1q44.
Variant type: single nucleotide variant.
Coding change: c.619T>C on transcript NM_001243133.2 (MANE Select); coding-DNA position 619, T replaced by C.
Protein change: p.Phe207Leu; replaces phenylalanine 207 with leucine.
Molecular consequence: missense variant.
Genome position (GRCh38, 1-based): chr1:247,424,068, T>C. VCF-style: chr1-247424068-T-C. GRCh37 (hg19) VCF-style: chr1-247587370-T-C.
Other names: c.619T>C, p.Phe207Leu (NM_001079821.3, NM_001127461.3, NM_001127462.3 and 1 more transcripts); c.625T>C, p.Phe209Leu (NM_004895.5); short protein forms F209L, F207L.
Identifiers: ClinVar variation 506238 (VCV000506238.5), dbSNP rs776833139, ClinGen allele CA1494907.

ClinVar aggregate classification (germline): Uncertain significance (1 of 4 stars; one submission).

Allele frequency attached by ClinVar (database versions not stated): gnomAD exomes below 0.00001; ExAC 0.00001.

Submission:

Laboratory for Molecular Medicine, Mass General Brigham Personalized Medicine
Classification: Uncertain significance. Last evaluated: 2018-01-09. Review status: criteria provided, single submitter. Criteria: LMM Criteria. Collection method: clinical testing. Allele origin: germline. Observed: 1 variant allele.
Comment: The p.Phe209Leu variant in NLRP3 has not been previously reported in individuals with hearing loss or cryopyrin-associated periodic syndromes, but has been iden tified in 1/30782 South Asian chromosomes by the Genome Aggregation Database (gn omAD; dbSNP rs776833139). Computational predic tion tools and conservation analyses do not provide strong support for or agains t an impact to the protein. In summary, the clinical significance of the p.Phe20 9Leu variant is uncertain. ACMG/AMP Criteria applied: PM2.